The following is an entry in ClinVar:

ClinVar aggregate classification (germline): Uncertain significance (1 of 4 stars; one submission).

Submission:

Ambry Genetics
Classification: Uncertain significance. Last evaluated: 2026-09-04. Review status: criteria provided, single submitter. Criteria: Ambry Variant Classification Scheme 2023. Collection method: clinical testing. Allele origin: germline.
Comment: The p.S753P variant (also known as c.2257T>C), located in coding exon 13 of the GEN1 gene, results from a T to C substitution at nucleotide position 2257. The serine at codon 753 is replaced by proline, an amino acid with similar properties. This amino acid position is conserved. In addition, this alteration is predicted to be tolerated by in silico analysis. Based on the available evidence, the clinical significance of this variant remains unclear.

NM_001130009.3(GEN1):c.2257T>C (p.Ser753Pro)

Gene: GEN1 (GEN1 structure-specific endonuclease; plus strand). Cytogenetic location: 2p24.2.
Variant type: single nucleotide variant.
Coding change: c.2257T>C on transcript NM_001130009.3 (MANE Select); coding-DNA position 2257, T replaced by C.
Protein change: p.Ser753Pro; replaces serine 753 with proline.
Molecular consequence: missense variant.
Genome position (GRCh38, 1-based): chr2:17,781,469, T>C. VCF-style: chr2-17781469-T-C. GRCh37 (hg19) VCF-style: chr2-17962736-T-C.
Other names: c.2257T>C, p.Ser753Pro (NM_182625.5); short protein forms S753P.
Identifiers: ClinVar variation 5022353 (VCV005022353.1).